The following is an entry in ClinVar:

ClinVar aggregate classification (germline): Likely benign (1 of 4 stars; one submission).

Submission:

CeGaT Center for Human Genetics Tuebingen
Classification: Likely benign. Last evaluated: 2026-02-01. Review status: criteria provided, single submitter. Criteria: CeGaT Center For Human Genetics Tuebingen Variant Classification Criteria Version 2. Collection method: clinical testing. Allele origin: germline. Affected: yes. Observed: 1 variant allele.
Comment: AK7: PM2:Supporting, BP4, BP7

NM_152327.5(AK7):c.186T>G (p.Ala62=)

Gene: AK7 (adenylate kinase 7; plus strand). Cytogenetic location: 14q32.2.
Variant type: single nucleotide variant.
Coding change: c.186T>G on transcript NM_152327.5 (MANE Select); coding-DNA position 186, T replaced by G.
Protein change: p.Ala62=; no amino-acid change (alanine 62 retained).
Molecular consequence: synonymous variant.
Genome position (GRCh38, 1-based): chr14:96,398,155, T>G. VCF-style: chr14-96398155-T-G. GRCh37 (hg19) VCF-style: chr14-96864492-T-G.
Other names: c.186T>G, p.Ala62= (NM_001350888.2, NM_001350890.2, NM_001350891.2 and 1 more transcripts).
Identifiers: ClinVar variation 4823509 (VCV004823509.4).